The following is an entry in ClinVar:

ClinVar aggregate classification (germline): Benign/Likely benign. Review status: criteria provided, multiple submitters, no conflicts (2 of 4 stars). 5 submissions from 5 submitters: Benign (4); Likely benign (1). Last evaluated 2026-08-01.

Conditions:
Neurodevelopmental disorder with or without early-onset generalized epilepsy. Identifiers: MedGen C5436914, MONDO:0030930, OMIM 619157.

Allele frequency attached by ClinVar (database versions not stated): 1000 Genomes Project 30x 0.00297; 1000 Genomes Project 0.00339; TOPMed 0.00473; ESP Exome Variant Server 0.00504; gnomAD 0.00757 and 0.00782; ExAC 0.00768; gnomAD exomes 0.00797 and 0.00822.
gnomAD v4.1: 12,966 of 1,604,016 alleles (0.81%); highest among the groups gnomAD compares: Non-Finnish European, 0.82%; 102 homozygotes.

Submissions (5):

CeGaT Center for Human Genetics Tuebingen
Classification: Benign. Last evaluated: 2026-08-01. Review status: criteria provided, single submitter. Criteria: CeGaT Center For Human Genetics Tuebingen Variant Classification Criteria Version 2. Collection method: clinical testing. Allele origin: germline. Affected: yes. Observed: 87 variant alleles.
Comment: NBEA: BP4, BP7, BS1, BS2

Mayo Clinic Laboratories, Mayo Clinic
Classification: Benign. Last evaluated: 2024-01-30. Review status: criteria provided, single submitter. Criteria: ACMG Guidelines, 2015. Collection method: clinical testing. Allele origin: germline. Observed: 6 variant alleles.
Comment: BS1, BS2, BP4, BP7

Fulgent Genetics
Classification: Likely benign for Neurodevelopmental disorder with or without early-onset generalized epilepsy. Last evaluated: 2022-03-07. Review status: criteria provided, single submitter. Criteria: ACMG Guidelines, 2015. Collection method: clinical testing. Allele origin: unknown.

Labcorp Genetics (formerly Invitae), Labcorp
Classification: Benign. Last evaluated: 2019-12-31. Review status: criteria provided, single submitter. Criteria: Invitae Variant Classification Sherloc (09022015). Collection method: clinical testing. Allele origin: germline.

Breakthrough Genomics
Classification: Benign. Review status: criteria provided, single submitter. Criteria: ACMG Guidelines, 2015. Collection method: not provided. Allele origin: germline. Inheritance: Autosomal dominant inheritance. Affected: yes.

NM_001385012.1(NBEA):c.5985G>A (p.Glu1995=)

Gene: NBEA (neurobeachin; plus strand). Cytogenetic location: 13q13.3.
Variant type: single nucleotide variant.
Coding change: c.5985G>A on transcript NM_001385012.1 (MANE Select); coding-DNA position 5985, G replaced by A.
Protein change: p.Glu1995=; no amino-acid change (glutamic acid 1995 retained).
Molecular consequence: synonymous variant.
Genome position (GRCh38, 1-based): chr13:35,349,189, G>A. VCF-style: chr13-35349189-G-A. GRCh37 (hg19) VCF-style: chr13-35923326-G-A.
Other names: p.Glu1995=; c.5976G>A, p.Glu1992= (NM_001379245.1); c.5985G>A, p.Glu1995= (NM_015678.5).
Identifiers: ClinVar variation 791054 (VCV000791054.37), dbSNP rs151318906, ClinGen allele CA6947204.